The following is an entry in ClinVar:

NM_001130987.2(DYSF):c.6347A>T (p.Lys2116Met)

Gene: DYSF (dysferlin; plus strand). Cytogenetic location: 2p13.2.
Variant type: single nucleotide variant.
Coding change: c.6347A>T on transcript NM_001130987.2 (MANE Select); coding-DNA position 6347, A replaced by T.
Protein change: p.Lys2116Met; replaces lysine 2116 with methionine.
Molecular consequence: missense variant.
Genome position (GRCh38, 1-based): chr2:71,686,479, A>T. VCF-style: chr2-71686479-A-T. GRCh37 (hg19) VCF-style: chr2-71913609-A-T.
Other names: p.Lys2077Met; c.6233A>T, p.Lys2078Met (NM_001130455.2); c.6188A>T, p.Lys2063Met (NM_001130976.2); c.6251A>T, p.Lys2084Met (NM_001130977.2); c.6293A>T, p.Lys2098Met (NM_001130978.2); c.6323A>T, p.Lys2108Met (NM_001130979.2); c.6281A>T, p.Lys2094Met (NM_001130980.2); c.6344A>T, p.Lys2115Met (NM_001130981.2); and 6 more; short protein forms K2063M, K2064M, K2077M, K2078M, K2084M, K2085M, K2094M, K2095M.
Identifiers: ClinVar variation 2682739 (VCV002682739.1), dbSNP rs1296063385, ClinGen allele CA347227900.

ClinVar aggregate classification (germline): Uncertain significance (1 of 4 stars; one submission).

Allele frequency attached by ClinVar (database versions not stated): TOPMed below 0.00001; gnomAD 0.00001.
gnomAD v4.1: 1 of 1,613,996 alleles (0.000062%); highest among the groups gnomAD compares: African/African-American, 0.0013%; no homozygotes.

Submission:

Mayo Clinic Laboratories, Mayo Clinic
Classification: Uncertain significance. Last evaluated: 2022-02-25. Review status: criteria provided, single submitter. Criteria: ACMG Guidelines, 2015. Collection method: clinical testing. Allele origin: germline. Observed: 1 variant allele.
Comment: PM2